The following is an entry in ClinVar:

NM_001010909.5(MUC21):c.798G>A (p.Gly266=)

Genes: MUC21 (mucin 21, cell surface associated; plus strand), LOC126859647 (CDK7 strongly-dependent group 2 enhancer GRCh37_chr6:30954612-30955811; plus strand). Cytogenetic location: 6p21.33.
Variant type: single nucleotide variant.
Coding change: c.798G>A on transcript NM_001010909.5 (MANE Select); coding-DNA position 798, G replaced by A.
Protein change: p.Gly266=; no amino-acid change (glycine 266 retained).
Molecular consequence: synonymous variant. On other transcripts: non-coding transcript variant (1).
Genome position (GRCh38, 1-based): chr6:30,986,973, G>A. VCF-style: chr6-30986973-G-A. GRCh37 (hg19) VCF-style: chr6-30954750-G-A.
Other names: c.888G>A, p.Gly296= (NM_001322370.2, NM_001322371.2).
Identifiers: ClinVar variation 3250737 (VCV003250737.18), dbSNP rs760638260.

ClinVar aggregate classification (germline): Likely benign (1 of 4 stars; one submission).

Allele frequency attached by ClinVar (database versions not stated): ExAC 0.00007.

Submission:

CeGaT Center for Human Genetics Tuebingen
Classification: Likely benign. Last evaluated: 2024-06-01. Review status: criteria provided, single submitter. Criteria: CeGaT Center For Human Genetics Tuebingen Variant Classification Criteria Version 2. Collection method: clinical testing. Allele origin: germline. Affected: yes. Observed: 1 variant allele.
Comment: MUC21: BP4, BP7